The following is an entry in ClinVar:

ClinVar aggregate classification (germline): Uncertain significance. Review status: criteria provided, multiple submitters, no conflicts (2 of 4 stars). 3 submissions from 3 submitters: Uncertain significance (3). Last evaluated 2024-02-13.

Conditions:
Hemolytic anemia due to glutathione reductase deficiency (CNSHA10). Also called: ANEMIA, CONGENITAL, NONSPHEROCYTIC HEMOLYTIC, 10. Identifiers: Orphanet 90030, MedGen C5231513, MONDO:0019531, OMIM 618660.

Allele frequency attached by ClinVar (database versions not stated): gnomAD exomes 0.00001; TOPMed 0.00007; gnomAD 0.00004.

Submissions (3):

Revvity Omics, Revvity
Classification: Uncertain significance for Hemolytic anemia due to glutathione reductase deficiency. Last evaluated: 2024-02-13. Review status: criteria provided, single submitter. Criteria: ACMG Guidelines, 2015. Collection method: clinical testing. Allele origin: germline.

Mayo Clinic Laboratories, Mayo Clinic
Classification: Uncertain significance. Last evaluated: 2022-09-27. Review status: criteria provided, single submitter. Criteria: ACMG Guidelines, 2015. Collection method: clinical testing. Allele origin: germline. Observed: 1 variant allele.
Comment: PM2

Ambry Genetics
Classification: Uncertain significance. Last evaluated: 2022-01-27. Review status: criteria provided, single submitter. Criteria: Ambry Variant Classification Scheme 2023. Collection method: clinical testing. Allele origin: germline.

NM_000637.5(GSR):c.331A>C (p.Lys111Gln)

Gene: GSR (glutathione-disulfide reductase; minus strand). Cytogenetic location: 8p12.
Variant type: single nucleotide variant.
Coding change: c.331A>C on transcript NM_000637.5 (MANE Select); coding-DNA position 331, A replaced by C.
Protein change: p.Lys111Gln; replaces lysine 111 with glutamine.
Molecular consequence: missense variant.
Genome position (GRCh38, 1-based): chr8:30,712,064, T>G on the plus strand (A>C on the coding strand, the complement: GSR is on the minus strand). VCF-style: chr8-30712064-T-G. GRCh37 (hg19) VCF-style: chr8-30569581-T-G.
Other names: p.Lys111Gln; c.331A>C, p.Lys111Gln (NM_001195102.3, NM_001195103.3, NM_001195104.3); short protein forms K111Q.
Identifiers: ClinVar variation 2275409 (VCV002275409.4), dbSNP rs1446320061, ClinGen allele CA370876794.
Genomic context (GRCh38, chr8:30,712,064, plus strand): 5'-ATTATGATTTACCAAATAGAAAAAGGATTGTAAAGGGAAAGAGAAATAAAAATTCTACCT[T>G]TTTGGGTACACATCCAACATTCACCTGGAAAAAAAAAAAAGAGACACACTTTAAGAATAT-3'
Protein context (NP_000628.2, residues 101-121): TCVNVGCVPK[Lys111Gln]VMWNTAVHSE